The following is an entry in ClinVar:

NM_020461.4(TUBGCP6):c.4782C>A (p.Asn1594Lys)

Gene: TUBGCP6 (tubulin gamma complex component 6; minus strand). Cytogenetic location: 22q13.33.
Variant type: single nucleotide variant.
Coding change: c.4782C>A on transcript NM_020461.4 (MANE Select); coding-DNA position 4782, C replaced by A.
Protein change: p.Asn1594Lys; replaces asparagine 1594 with lysine.
Molecular consequence: missense variant.
Genome position (GRCh38, 1-based): chr22:50,218,742, G>T on the plus strand (C>A on the coding strand, the complement: TUBGCP6 is on the minus strand). VCF-style: chr22-50218742-G-T. GRCh37 (hg19) VCF-style: chr22-50657171-G-T.
Other names: short protein forms N1594K.
Identifiers: ClinVar variation 1713656 (VCV001713656.5), dbSNP rs141350146, ClinGen allele CA412168179.

ClinVar aggregate classification (germline): Uncertain significance (1 of 4 stars; one submission).

gnomAD v4.1: 1 of 1,614,054 alleles (0.000062%); highest among the groups gnomAD compares: Non-Finnish European, 0.000085%; no homozygotes.

Submission:

Labcorp Genetics (formerly Invitae), Labcorp
Classification: Uncertain significance. Last evaluated: 2022-07-24. Review status: criteria provided, single submitter. Criteria: Invitae Variant Classification Sherloc (09022015). Collection method: clinical testing. Allele origin: germline.
Comment: This sequence change replaces asparagine, which is neutral and polar, with lysine, which is basic and polar, at codon 1594 of the TUBGCP6 protein (p.Asn1594Lys). This variant is not present in population databases (gnomAD no frequency). This variant has not been reported in the literature in individuals affected with TUBGCP6-related conditions. Algorithms developed to predict the effect of missense changes on protein structure and function are either unavailable or do not agree on the potential impact of this missense change (SIFT: "Tolerated"; PolyPhen-2: "Probably Damaging"; Align-GVGD: "Class C0"). In summary, the available evidence is currently insufficient to determine the role of this variant in disease. Therefore, it has been classified as a Variant of Uncertain Significance.